The following is an entry in ClinVar:

ClinVar aggregate classification (germline): Uncertain significance. Review status: criteria provided, multiple submitters, no conflicts (2 of 4 stars). 2 submissions from 2 submitters: Uncertain significance (2). Last evaluated 2025-08-05.

Allele frequency attached by ClinVar (database versions not stated): ExAC 0.00001; gnomAD exomes 0.00001.
gnomAD v4.1: 2 of 1,612,782 alleles (0.00012%); highest among the groups gnomAD compares: Non-Finnish European, 0.00017%; no homozygotes.

Submissions (2):

Ambry Genetics
Classification: Uncertain significance. Last evaluated: 2025-08-05. Review status: criteria provided, single submitter. Criteria: Ambry Variant Classification Scheme 2023. Collection method: clinical testing. Allele origin: germline.

Labcorp Genetics (formerly Invitae), Labcorp
Classification: Uncertain significance. Last evaluated: 2022-11-22. Review status: criteria provided, single submitter. Criteria: Invitae Variant Classification Sherloc (09022015). Collection method: clinical testing. Allele origin: germline.
Comment: In summary, the available evidence is currently insufficient to determine the role of this variant in disease. Therefore, it has been classified as a Variant of Uncertain Significance. Advanced modeling of protein sequence and biophysical properties (such as structural, functional, and spatial information, amino acid conservation, physicochemical variation, residue mobility, and thermodynamic stability) performed at Invitae indicates that this missense variant is not expected to disrupt SIX6 protein function. ClinVar contains an entry for this variant (Variation ID: 1425830). This variant has not been reported in the literature in individuals affected with SIX6-related conditions. This variant is present in population databases (rs745496406, gnomAD 0.002%). This sequence change replaces glutamine, which is neutral and polar, with histidine, which is basic and polar, at codon 193 of the SIX6 protein (p.Gln193His).

NM_007374.3(SIX6):c.579G>C (p.Gln193His)

Genes: C14orf39 (chromosome 14 open reading frame 39; minus strand), SIX6 (SIX homeobox 6; plus strand). Cytogenetic location: 14q23.1.
Variant type: single nucleotide variant.
Coding change: c.579G>C on transcript NM_007374.3 (MANE Select); coding-DNA position 579, G replaced by C.
Protein change: p.Gln193His; replaces glutamine 193 with histidine.
Molecular consequence: missense variant.
Genome position (GRCh38, 1-based): chr14:60,511,090, G>C. VCF-style: chr14-60511090-G-C. GRCh37 (hg19) VCF-style: chr14-60977808-G-C.
Other names: c.579G>C (NM_007374.2); short protein forms Q193H.
Identifiers: ClinVar variation 1425830 (VCV001425830.7), dbSNP rs745496406, ClinGen allele CA7212631.